The following is an entry in ClinVar:

NM_021930.6(RINT1):c.1610G>A (p.Cys537Tyr)

Gene: RINT1 (RAD50 interactor 1; plus strand). Cytogenetic location: 7q22.3.
Variant type: single nucleotide variant.
Coding change: c.1610G>A on transcript NM_021930.6 (MANE Select); coding-DNA position 1610, G replaced by A.
Protein change: p.Cys537Tyr; replaces cysteine 537 with tyrosine.
Molecular consequence: missense variant.
Genome position (GRCh38, 1-based): chr7:105,555,166, G>A. VCF-style: chr7-105555166-G-A. GRCh37 (hg19) VCF-style: chr7-105195613-G-A.
Other names: c.1376G>A, p.Cys459Tyr (NM_001346599.2); c.587G>A, p.Cys196Tyr (NM_001346600.2, NM_001346603.2); c.686G>A, p.Cys229Tyr (NM_001346601.2); short protein forms C196Y, C459Y, C537Y, C229Y.
Identifiers: ClinVar variation 945977 (VCV000945977.11), dbSNP rs757339645, ClinGen allele CA368811835.
Genomic context (GRCh38, chr7:105,555,166, plus strand): 5'-GGATACGATTAACACAAGTGATGAAAGAAGAGACTAGAGCTTCCCTTGGCTTTCGATACT[G>A]TGCAATTCTTAATGCTGTGAACTACATCTCAACAGTACTAGCAGATTGGGCTGACAATGT-3'
Protein context (NP_068749.3, residues 527-547): ETRASLGFRY[Cys537Tyr]AILNAVNYIS

ClinVar aggregate classification (germline): Uncertain significance. Review status: criteria provided, multiple submitters, no conflicts (2 of 4 stars). 2 submissions from 2 submitters: Uncertain significance (2). Last evaluated 2025-07-31.

gnomAD v4.1: 3 of 1,614,076 alleles (0.00019%); highest among the groups gnomAD compares: Admixed American, 0.0033%; no homozygotes.

Submissions (2):

Labcorp Genetics (formerly Invitae), Labcorp
Classification: Uncertain significance. Last evaluated: 2025-07-31. Review status: criteria provided, single submitter. Criteria: Invitae Variant Classification Sherloc (09022015). Collection method: clinical testing. Allele origin: germline.
Comment: This sequence change replaces cysteine, which is neutral and slightly polar, with tyrosine, which is neutral and polar, at codon 537 of the RINT1 protein (p.Cys537Tyr). This variant is not present in population databases (gnomAD no frequency). This variant has not been reported in the literature in individuals affected with RINT1-related conditions. ClinVar contains an entry for this variant (Variation ID: 945977). An algorithm developed to predict the effect of missense changes on protein structure and function (PolyPhen-2) suggests that this variant is likely to be disruptive. In summary, the available evidence is currently insufficient to determine the role of this variant in disease. Therefore, it has been classified as a Variant of Uncertain Significance.

Ambry Genetics
Classification: Uncertain significance. Last evaluated: 2023-08-25. Review status: criteria provided, single submitter. Criteria: Ambry Variant Classification Scheme 2023. Collection method: clinical testing. Allele origin: germline.
Comment: The p.C537Y variant (also known as c.1610G>A), located in coding exon 11 of the RINT1 gene, results from a G to A substitution at nucleotide position 1610. The cysteine at codon 537 is replaced by tyrosine, an amino acid with highly dissimilar properties. This amino acid position is conserved. In addition, this alteration is predicted to be deleterious by in silico analysis. Since supporting evidence is limited at this time, the clinical significance of this alteration remains unclear.